The following is an entry in ClinVar:

ClinVar aggregate classification (germline): Uncertain significance. Review status: criteria provided, multiple submitters, no conflicts (2 of 4 stars). 2 submissions from 2 submitters: Uncertain significance (2). Last evaluated 2025-02-07.

Conditions:
Familial acute necrotizing encephalopathy (IIAE3). Also called: ENCEPHALOPATHY, ACUTE, INFECTION-INDUCED, SUSCEPTIBILITY TO, 3; Susceptibility to Acute Necrotizing Encephalopathy 1. Identifiers: Orphanet 88619, MedGen C2675556, MONDO:0011953, OMIM 608033.

Submissions (2):

Labcorp Genetics (formerly Invitae), Labcorp
Classification: Uncertain significance for Familial acute necrotizing encephalopathy. Last evaluated: 2025-02-07. Review status: criteria provided, single submitter. Criteria: Invitae Variant Classification Sherloc (09022015). Collection method: clinical testing. Allele origin: germline.
Comment: This sequence change replaces leucine, which is neutral and non-polar, with phenylalanine, which is neutral and non-polar, at codon 612 of the RANBP2 protein (p.Leu612Phe). This variant is not present in population databases (gnomAD no frequency). This variant has not been reported in the literature in individuals affected with RANBP2-related conditions. ClinVar contains an entry for this variant (Variation ID: 3369019). An algorithm developed to predict the effect of missense changes on protein structure and function (PolyPhen-2) suggests that this variant is likely to be tolerated. In summary, the available evidence is currently insufficient to determine the role of this variant in disease. Therefore, it has been classified as a Variant of Uncertain Significance.

GeneDx
Classification: Uncertain significance. Last evaluated: 2024-02-13. Review status: criteria provided, single submitter. Criteria: GeneDx Variant Classification Process June 2021. Collection method: clinical testing. Allele origin: germline. Affected: yes.
Comment: Not observed at significant frequency in large population cohorts (gnomAD); In silico analysis supports that this missense variant has a deleterious effect on protein structure/function; Has not been previously published as pathogenic or benign to our knowledge

NM_006267.5(RANBP2):c.1836G>T (p.Leu612Phe)

Gene: RANBP2 (RAN binding protein 2; plus strand). Cytogenetic location: 2q13.
Variant type: single nucleotide variant.
Coding change: c.1836G>T on transcript NM_006267.5 (MANE Select); coding-DNA position 1836, G replaced by T.
Protein change: p.Leu612Phe; replaces leucine 612 with phenylalanine.
Molecular consequence: missense variant.
Genome position (GRCh38, 1-based): chr2:108,753,078, G>T. VCF-style: chr2-108753078-G-T. GRCh37 (hg19) VCF-style: chr2-109369534-G-T.
Other names: c.1836G>T, p.Leu612Phe (NM_001415871.1, NM_001415873.1); c.1833G>T, p.Leu611Phe (NM_001415872.1); short protein forms L611F, L612F.
Identifiers: ClinVar variation 3369019 (VCV003369019.3).